The following is an entry in ClinVar:

NM_153252.5(BRWD3):c.2103_2104del (p.His701fs)

Gene: BRWD3 (bromodomain and WD repeat domain containing 3; minus strand). Cytogenetic location: Xq21.1.
Variant type: Deletion.
Coding change: c.2103_2104del on transcript NM_153252.5 (MANE Select); coding-DNA positions 2103 to 2104, 2 bases deleted (TA; older notation c.2103_2104delTA).
Protein change: p.His701fs; shifts the reading frame from histidine 701.
Molecular consequence: frameshift variant.
Genome position (GRCh38, 1-based): chrX:80,717,700-80,717,701, TA deleted on the plus strand (TA on the coding strand, the reverse complement: BRWD3 is on the minus strand); deleting any 2 consecutive bases within chrX:80,717,700-80,717,702 gives the same sequence; the c. name uses the placement nearest the transcript's 3' end. VCF-style (leftmost placement, unchanged base first): chrX-80717699-CTA-C. GRCh37 (hg19) VCF-style: chrX-79973198-CTA-C.
Other names: short protein forms H701fs.
Identifiers: ClinVar variation 2719614 (VCV002719614.3), dbSNP rs2520312027, ClinGen allele CA2697553212.

ClinVar aggregate classification (germline): Pathogenic (1 of 4 stars; one submission).

Submission:

Labcorp Genetics (formerly Invitae), Labcorp
Classification: Pathogenic. Last evaluated: 2024-02-16. Review status: criteria provided, single submitter. Criteria: Invitae Variant Classification Sherloc (09022015). Collection method: clinical testing. Allele origin: germline.
Comment: This sequence change creates a premature translational stop signal (p.His701Glnfs*2) in the BRWD3 gene. It is expected to result in an absent or disrupted protein product. Loss-of-function variants in BRWD3 are known to be pathogenic (PMID: 17668385, 24462886). This variant is not present in population databases (gnomAD no frequency). This variant has not been reported in the literature in individuals affected with BRWD3-related conditions. For these reasons, this variant has been classified as Pathogenic.

Literature cited by the submitters: PubMed 17668385; PubMed 24462886.